The following is an entry in ClinVar:

NM_001122681.2(SH3BP2):c.845T>A (p.Leu282Gln)

Gene: SH3BP2 (SH3 domain binding protein 2; plus strand). Cytogenetic location: 4p16.3.
Variant type: single nucleotide variant.
Coding change: c.845T>A on transcript NM_001122681.2 (MANE Select); coding-DNA position 845, T replaced by A.
Protein change: p.Leu282Gln; replaces leucine 282 with glutamine.
Molecular consequence: missense variant.
Genome position (GRCh38, 1-based): chr4:2,829,751, T>A. VCF-style: chr4-2829751-T-A. GRCh37 (hg19) VCF-style: chr4-2831478-T-A.
Other names: c.929T>A, p.Leu310Gln (NM_001145855.2); c.1016T>A, p.Leu339Gln (NM_001145856.2); c.845T>A, p.Leu282Gln (NM_003023.4); short protein forms L282Q, L310Q, L339Q.
Identifiers: ClinVar variation 949116 (VCV000949116.10), dbSNP rs766045804, ClinGen allele CA91411295.

ClinVar aggregate classification (germline): Uncertain significance. Review status: criteria provided, multiple submitters, no conflicts (2 of 4 stars). 2 submissions from 2 submitters: Uncertain significance (2). Last evaluated 2024-09-11.

Conditions:
Fibrous dysplasia of jaw (CRBM). Also called: Cherubism. Identifiers: Orphanet 184, MedGen C0008029, MONDO:0007315, OMIM 118400.
Inborn genetic diseases. Identifiers: MedGen C0950123, MeSH D030342.

Allele frequency attached by ClinVar (database versions not stated): TOPMed below 0.00001; gnomAD exomes 0.00001.
gnomAD v4.1: 12 of 1,612,932 alleles (0.00074%); highest among the groups gnomAD compares: Non-Finnish European, 0.001%; no homozygotes.

Submissions (2):

Ambry Genetics
Classification: Uncertain significance for Inborn genetic diseases. Last evaluated: 2024-09-11. Review status: criteria provided, single submitter. Criteria: Ambry Variant Classification Scheme 2023. Collection method: clinical testing. Allele origin: germline.

Labcorp Genetics (formerly Invitae), Labcorp
Classification: Uncertain significance for Fibrous dysplasia of jaw. Last evaluated: 2023-12-28. Review status: criteria provided, single submitter. Criteria: Invitae Variant Classification Sherloc (09022015). Collection method: clinical testing. Allele origin: germline.
Comment: This sequence change replaces leucine, which is neutral and non-polar, with glutamine, which is neutral and polar, at codon 282 of the SH3BP2 protein (p.Leu282Gln). This variant is not present in population databases (gnomAD no frequency). This variant has not been reported in the literature in individuals affected with SH3BP2-related conditions. ClinVar contains an entry for this variant (Variation ID: 949116). Advanced modeling of protein sequence and biophysical properties (such as structural, functional, and spatial information, amino acid conservation, physicochemical variation, residue mobility, and thermodynamic stability) performed at Invitae indicates that this missense variant is not expected to disrupt SH3BP2 protein function with a negative predictive value of 80%. In summary, the available evidence is currently insufficient to determine the role of this variant in disease. Therefore, it has been classified as a Variant of Uncertain Significance.